The following is an entry in ClinVar:

ClinVar aggregate classification (germline): Pathogenic/Likely pathogenic. Review status: criteria provided, multiple submitters, no conflicts (2 of 4 stars). 3 submissions from 3 submitters: Pathogenic (2); Likely pathogenic (1). Last evaluated 2023-05-24.

Conditions:
Familial cancer of breast. Also called: hereditary breast carcinoma; BREAST CANCER, FAMILIAL; Hereditary breast cancer. Identifiers: Orphanet 227535, MedGen C0346153, MONDO:0016419, OMIM 114480. Disease mechanism: loss of function.

Submissions (3):

Myriad Genetics, Inc.
Classification: Pathogenic for Familial cancer of breast. Last evaluated: 2023-05-24. Review status: criteria provided, single submitter. Criteria: Myriad Autosomal Dominant, Autosomal Recessive and X-Linked Classification Criteria (2023). Collection method: clinical testing. Allele origin: unknown.
Comment: This variant is considered pathogenic. This variant creates a frameshift predicted to result in premature protein truncation.

Labcorp Genetics (formerly Invitae), Labcorp
Classification: Pathogenic for Familial cancer of breast. Last evaluated: 2022-08-31. Review status: criteria provided, single submitter. Criteria: Invitae Variant Classification Sherloc (09022015). Collection method: clinical testing. Allele origin: germline.
Comment: For these reasons, this variant has been classified as Pathogenic. ClinVar contains an entry for this variant (Variation ID: 801882). This variant has not been reported in the literature in individuals affected with BARD1-related conditions. This variant is not present in population databases (gnomAD no frequency). This sequence change creates a premature translational stop signal (p.Lys596Asnfs*9) in the BARD1 gene. It is expected to result in an absent or disrupted protein product. Loss-of-function variants in BARD1 are known to be pathogenic (PMID: 20077502, 21344236).

Mendelics
Classification: Likely pathogenic for Familial cancer of breast. Last evaluated: 2019-05-28. Review status: criteria provided, single submitter. Criteria: Mendelics Assertion Criteria 2017. Collection method: clinical testing. Allele origin: unknown.

Literature cited by the submitters: PubMed 20077502 (cited by Labcorp Genetics (formerly Invitae), Labcorp); PubMed 21344236 (cited by Labcorp Genetics (formerly Invitae), Labcorp).

NM_000465.4(BARD1):c.1788del (p.Lys596fs)

Gene: BARD1 (BRCA1 associated RING domain 1; minus strand). Cytogenetic location: 2q35.
Variant type: Deletion.
Coding change: c.1788del on transcript NM_000465.4 (MANE Select); coding-DNA position 1788, one base deleted (A; older notation c.1788delA).
Protein change: p.Lys596fs; shifts the reading frame from lysine 596.
Molecular consequence: frameshift variant. On other transcripts: non-coding transcript variant (3), intron variant (1).
Genome position (GRCh38, 1-based): chr2:214,745,744, T deleted on the plus strand (A on the coding strand, the reverse complement: BARD1 is on the minus strand); the first of 6 consecutive T bases (chr2:214,745,744-214,745,749); deleting any one gives the same sequence. VCF-style (leftmost placement, unchanged base first): chr2-214745743-AT-A. GRCh37 (hg19) VCF-style: chr2-215610467-AT-A.
Other names: c.1731del, p.Lys577fs (NM_001282543.2); c.435del, p.Lys145fs (NM_001282545.2); c.378del, p.Lys126fs (NM_001282548.2); c.365-15236del (NM_001282549.2); short protein forms K126fs, K577fs, K145fs, K596fs.
Identifiers: ClinVar variation 801882 (VCV000801882.8), dbSNP rs1574739005, ClinGen allele CA915941710.